The following is an entry in ClinVar:

ClinVar aggregate classification (germline): Conflicting classifications of pathogenicity. Review status: criteria provided, conflicting classifications (1 of 4 stars). 3 submissions from 3 submitters: Uncertain significance (2); Likely benign (1). Last evaluated 2024-07-30.

Allele frequency attached by ClinVar (database versions not stated): gnomAD 0.00002 and 0.00003; ESP Exome Variant Server 0.00008; TOPMed 0.00003; ExAC 0.00004; gnomAD exomes 0.00007 and 0.00004.

Submissions (3):

Mayo Clinic Laboratories, Mayo Clinic
Classification: Uncertain significance. Last evaluated: 2024-07-30. Review status: criteria provided, single submitter. Criteria: ACMG Guidelines, 2015. Collection method: clinical testing. Allele origin: germline. Observed: 1 variant allele.
Comment: BP4, PM2_moderate

Labcorp Genetics (formerly Invitae), Labcorp
Classification: Uncertain significance. Last evaluated: 2022-08-23. Review status: criteria provided, single submitter. Criteria: Invitae Variant Classification Sherloc (09022015). Collection method: clinical testing. Allele origin: germline.
Comment: This sequence change replaces glycine, which is neutral and non-polar, with arginine, which is basic and polar, at codon 9 of the FOXRED1 protein (p.Gly9Arg). This variant is present in population databases (rs372318280, gnomAD 0.007%). This variant has not been reported in the literature in individuals affected with FOXRED1-related conditions. ClinVar contains an entry for this variant (Variation ID: 214440). Advanced modeling of protein sequence and biophysical properties (such as structural, functional, and spatial information, amino acid conservation, physicochemical variation, residue mobility, and thermodynamic stability) performed at Invitae indicates that this missense variant is not expected to disrupt FOXRED1 protein function. In summary, the available evidence is currently insufficient to determine the role of this variant in disease. Therefore, it has been classified as a Variant of Uncertain Significance.

GeneDx
Classification: Likely benign. Last evaluated: 2014-09-09. Review status: criteria provided, single submitter. Criteria: GeneDx Variant Classification (06012015). Collection method: clinical testing. Allele origin: germline. Affected: yes.
Comment: This variant is considered likely benign or benign based on one or more of the following criteria: it is a conservative change, it occurs at a poorly conserved position in the protein, it is predicted to be benign by multiple in silico algorithms, and/or has population frequency not consistent with disease.

NM_017547.4(FOXRED1):c.25G>C (p.Gly9Arg)

Genes: FOXRED1 (FAD dependent oxidoreductase domain containing 1; plus strand), LOC130007026 (ATAC-STARR-seq lymphoblastoid active region 5705; plus strand). Cytogenetic location: 11q24.2.
Variant type: single nucleotide variant.
Coding change: c.25G>C on transcript NM_017547.4 (MANE Select); coding-DNA position 25, G replaced by C.
Protein change: p.Gly9Arg; replaces glycine 9 with arginine.
Molecular consequence: missense variant. On other transcripts: non-coding transcript variant (2).
Genome position (GRCh38, 1-based): chr11:126,269,231, G>C. VCF-style: chr11-126269231-G-C. GRCh37 (hg19) VCF-style: chr11-126139126-G-C.
Other names: p.G9R:GGC>CGC; p.Gly9Arg; short protein forms G9R.
Identifiers: ClinVar variation 214440 (VCV000214440.7), dbSNP rs372318280, ClinGen allele CA325035.